The following is an entry in ClinVar:

NM_001303473.2(GPR146):c.662A>G (p.Asp221Gly)

Genes: CHLSN (cholesin; minus strand), GPR146 (G protein-coupled receptor 146; plus strand). Cytogenetic location: 7p22.3.
Variant type: single nucleotide variant.
Coding change: c.662A>G on transcript NM_001303473.2 (MANE Select); coding-DNA position 662, A replaced by G.
Protein change: p.Asp221Gly; replaces aspartic acid 221 with glycine.
Molecular consequence: missense variant. On other transcripts: intron variant (7).
Genome position (GRCh38, 1-based): chr7:1,058,177, A>G. VCF-style: chr7-1058177-A-G. GRCh37 (hg19) VCF-style: chr7-1097813-A-G.
Other names: c.662A>G, p.Asp221Gly (NM_001303474.2, NM_138445.4); c.130-48034T>C (NM_001424326.1, NM_001424325.1, NM_001134396.1 and 4 more transcripts); short protein forms D221G.
Identifiers: ClinVar variation 2657178 (VCV002657178.24), dbSNP rs140289241, ClinGen allele CA4115344.
Genomic context (GRCh38, chr7:1,058,177, plus strand): 5'-TGGCCACCCTCTACGCGCTGGTGCTACTCTCCCGCGTCCGCAGGGAGGACACGCCCCTGG[A>G]CCGGGACACGGGCCGGCTGGAGCCCTCGGCACACAGGCTGCTGGTGGCCACCGTGTGCAC-3'
Protein context (NP_001290402.1, residues 211-231): SRVRREDTPL[Asp221Gly]RDTGRLEPSA

ClinVar aggregate classification (germline): Likely benign (1 of 4 stars; one submission).

Allele frequency attached by ClinVar (database versions not stated): 1000 Genomes Project 30x 0.00109; 1000 Genomes Project 0.00120; TOPMed 0.00271; ESP Exome Variant Server 0.00294; gnomAD 0.00375; ExAC 0.00439.
gnomAD v4.1: 3,587 of 740,280 alleles (0.48%); highest among the groups gnomAD compares: Non-Finnish European, 0.75%; 31 homozygotes.

Submission:

CeGaT Center for Human Genetics Tuebingen
Classification: Likely benign. Last evaluated: 2023-02-01. Review status: criteria provided, single submitter. Criteria: CeGaT Center For Human Genetics Tuebingen Variant Classification Criteria Version 2. Collection method: clinical testing. Allele origin: germline. Affected: yes. Observed: 1 variant allele.
Comment: CHLSN: BS2; GPR146: BS2